The following is an entry in ClinVar:

ClinVar aggregate classification (germline): Uncertain significance (1 of 4 stars; one submission).

gnomAD v4.1: 5 of 1,613,648 alleles (0.00031%); highest among the groups gnomAD compares: Non-Finnish European, 0.00042%; no homozygotes.

Submission:

Mayo Clinic Laboratories, Mayo Clinic
Classification: Uncertain significance. Last evaluated: 2025-10-06. Review status: criteria provided, single submitter. Criteria: ACMG Guidelines, 2015. Collection method: clinical testing. Allele origin: germline. Observed: 1 variant allele.
Comment: BP5_moderate

NM_022114.4(PRDM16):c.478G>A (p.Ala160Thr)

Gene: PRDM16 (PR/SET domain 16; plus strand). Cytogenetic location: 1p36.32.
Variant type: single nucleotide variant.
Coding change: c.478G>A on transcript NM_022114.4 (MANE Select); coding-DNA position 478, G replaced by A.
Protein change: p.Ala160Thr; replaces alanine 160 with threonine.
Molecular consequence: missense variant.
Genome position (GRCh38, 1-based): chr1:3,385,191, G>A. VCF-style: chr1-3385191-G-A. GRCh37 (hg19) VCF-style: chr1-3301755-G-A.
Other names: p.Ala160Thr; c.478G>A, p.Ala160Thr (NM_199454.3); short protein forms A160T.
Identifiers: ClinVar variation 4541238 (VCV004541238.1).